The following is an entry in ClinVar:

NM_001367916.1(MAGT1):c.417del (p.Phe139fs)

Gene: MAGT1 (magnesium transporter 1; minus strand). Cytogenetic location: Xq21.1.
Variant type: Deletion.
Coding change: c.417del on transcript NM_001367916.1 (MANE Select); coding-DNA position 417, one base deleted (C; older notation c.417delC).
Protein change: p.Phe139fs; shifts the reading frame from phenylalanine 139.
Molecular consequence: frameshift variant.
Genome position (GRCh38, 1-based): chrX:77,857,471, G deleted on the plus strand (C on the coding strand, the reverse complement: MAGT1 is on the minus strand). VCF-style (leftmost placement, unchanged base first): chrX-77857470-TG-T. GRCh37 (hg19) VCF-style: chrX-77112967-TG-T.
Other names: c.513del, p.Phe171fs (NM_032121.5); short protein forms F139fs, F171fs.
Identifiers: ClinVar variation 4795929 (VCV004795929.1).

ClinVar aggregate classification (germline): Likely pathogenic (1 of 4 stars; one submission).

Conditions:
X-linked immunodeficiency with magnesium defect, Epstein-Barr virus infection and neoplasia. Identifiers: Orphanet 317476, MedGen C3275445, MONDO:0010455, OMIM 300853.

Submission:

Variantyx, Inc.
Classification: Likely pathogenic for X-linked immunodeficiency with magnesium defect, Epstein-Barr virus infection and neoplasia. Last evaluated: 2025-10-25. Review status: criteria provided, single submitter. Criteria: Variantyx Assertion Criteria 2022. Collection method: clinical testing. Allele origin: maternal. Inheritance: X-linked recessive inheritance.
Comment: This is a frameshift variant in the MAGT1 gene (OMIM: 300715). Pathogenic variants in this gene have been associated with X-linked immunodeficiency with magnesium defect, Epstein-Barr virus infection, and neoplasia (XMEN). This variant introduces a premature termination codon in exon 4 out of 10 and is expected to result in loss of function, which is a known disease mechanism for MAGT1 in this disorder (PMID: 24550228) (PVS1). This variant is absent from control populations (PM2) and has not been reported in individuals with MAGT1-related disorders in the databases available for review. Based on the current evidence, this variant is classified as likely pathogenic for X-linked immunodeficiency with magnesium defect, Epstein-Barr virus infection, and neoplasia (XMEN).

Literature cited by the submitters: PubMed 24550228.